The following is an entry in ClinVar:

NM_000043.6(FAS):c.335G>A (p.Gly112Asp)

Gene: FAS (Fas cell surface death receptor; plus strand). Cytogenetic location: 10q23.31.
Variant type: single nucleotide variant.
Coding change: c.335G>A on transcript NM_000043.6 (MANE Select); coding-DNA position 335, G replaced by A.
Protein change: p.Gly112Asp; replaces glycine 112 with aspartic acid.
Molecular consequence: missense variant. On other transcripts: non-coding transcript variant (1).
Genome position (GRCh38, 1-based): chr10:89,008,889, G>A. VCF-style: chr10-89008889-G-A. GRCh37 (hg19) VCF-style: chr10-90768646-G-A.
Other names: c.335G>A, p.Gly112Asp (NM_001320619.2, NM_152871.4, NM_152872.4); c.380G>A, p.Gly127Asp (NM_001410956.1); short protein forms G112D, G127D.
Identifiers: ClinVar variation 4718835 (VCV004718835.1).

ClinVar aggregate classification (germline): Uncertain significance (1 of 4 stars; one submission).

Conditions:
Autoimmune lymphoproliferative syndrome type 1. Also called: AUTOIMMUNE LYMPHOPROLIFERATIVE SYNDROME, TYPE I, AUTOSOMAL DOMINANT. Identifiers: Orphanet 3261, MedGen C2717884, MONDO:0011158, OMIM 601859.

Submission:

Labcorp Genetics (formerly Invitae), Labcorp
Classification: Uncertain significance for Autoimmune lymphoproliferative syndrome. Last evaluated: 2025-05-02. Review status: criteria provided, single submitter. Criteria: Invitae Variant Classification Sherloc (09022015). Collection method: clinical testing. Allele origin: germline.
Comment: This sequence change replaces glycine, which is neutral and non-polar, with aspartic acid, which is acidic and polar, at codon 112 of the FAS protein (p.Gly112Asp). This variant is not present in population databases (gnomAD no frequency). This missense change has been observed in individual(s) with autosomal dominant autoimmune lympoproliferative syndrome (internal data). An algorithm developed to predict the effect of missense changes on protein structure and function (PolyPhen-2) suggests that this variant is likely to be disruptive. Algorithms developed to predict the effect of sequence changes on RNA splicing suggest that this variant may disrupt the consensus splice site. In summary, the available evidence is currently insufficient to determine the role of this variant in disease. Therefore, it has been classified as a Variant of Uncertain Significance.